The following is an entry in ClinVar:

ClinVar aggregate classification (germline): Uncertain significance (1 of 4 stars; one submission).

Submission:

GeneDx
Classification: Uncertain significance. Last evaluated: 2025-05-29. Review status: criteria provided, single submitter. Criteria: GeneDx Variant Classification Process June 2021. Collection method: clinical testing. Allele origin: germline. Affected: yes.
Comment: Not observed at significant frequency in large population cohorts (gnomAD); In silico analysis suggests that this missense variant does not alter protein structure/function; Has not been previously published as pathogenic or benign to our knowledge

NM_138615.3(DHX30):c.1910A>G (p.His637Arg)

Gene: DHX30 (DExH-box helicase 30; plus strand). Cytogenetic location: 3p21.31.
Variant type: single nucleotide variant.
Coding change: c.1910A>G on transcript NM_138615.3 (MANE Select); coding-DNA position 1910, A replaced by G.
Protein change: p.His637Arg; replaces histidine 637 with arginine.
Molecular consequence: missense variant.
Genome position (GRCh38, 1-based): chr3:47,846,982, A>G. VCF-style: chr3-47846982-A-G. GRCh37 (hg19) VCF-style: chr3-47888472-A-G.
Other names: c.1826A>G, p.His609Arg (NM_001330990.2); c.1793A>G, p.His598Arg (NM_014966.4); short protein forms H598R, H609R, H637R.
Identifiers: ClinVar variation 2575885 (VCV002575885.2), dbSNP rs2549294309, ClinGen allele CA352587865.
Genomic context (GRCh38, chr3:47,846,982, plus strand): 5'-CAGTCAAGGAGCACTACCTAGAGGACATCCTGGCCAAGTTGGGCAAGCACCAGTACCTGC[A>G]CCGGCACCGGCACCATGAGGTGAGGGACACCCCCATCCCACCCAAGGCTCCTGGCCTTTC-3'
Protein context (NP_619520.1, residues 627-647): LAKLGKHQYL[His637Arg]RHRHHESEDE